The following is an entry in ClinVar:

ClinVar aggregate classification (germline): Uncertain significance. Review status: criteria provided, multiple submitters, no conflicts (2 of 4 stars). 2 submissions from 2 submitters: Uncertain significance (2). Last evaluated 2023-06-22.

Allele frequency attached by ClinVar (database versions not stated): gnomAD 0.00001; gnomAD exomes 0.00001; TOPMed 0.00003.

Submissions (2):

Blueprint Genetics
Classification: Uncertain significance. Last evaluated: 2023-06-22. Review status: criteria provided, single submitter. Criteria: ACMG Guidelines, 2015. Collection method: clinical testing. Allele origin: germline.

Labcorp Genetics (formerly Invitae), Labcorp
Classification: Uncertain significance. Last evaluated: 2022-10-04. Review status: criteria provided, single submitter. Criteria: Invitae Variant Classification Sherloc (09022015). Collection method: clinical testing. Allele origin: germline.
Comment: In summary, the available evidence is currently insufficient to determine the role of this variant in disease. Therefore, it has been classified as a Variant of Uncertain Significance. Algorithms developed to predict the effect of missense changes on protein structure and function (SIFT, PolyPhen-2, Align-GVGD) all suggest that this variant is likely to be disruptive. This sequence change replaces arginine, which is basic and polar, with tryptophan, which is neutral and slightly polar, at codon 317 of the ZNF513 protein (p.Arg317Trp). The frequency data for this variant in the population databases is considered unreliable, as metrics indicate poor data quality at this position in the gnomAD database. This variant has not been reported in the literature in individuals affected with ZNF513-related conditions.

NM_144631.6(ZNF513):c.949C>T (p.Arg317Trp)

Gene: ZNF513 (zinc finger protein 513; minus strand). Cytogenetic location: 2p23.3.
Variant type: single nucleotide variant.
Coding change: c.949C>T on transcript NM_144631.6 (MANE Select); coding-DNA position 949, C replaced by T.
Protein change: p.Arg317Trp; replaces arginine 317 with tryptophan.
Molecular consequence: missense variant.
Genome position (GRCh38, 1-based): chr2:27,378,222, G>A on the plus strand (C>T on the coding strand, the complement: ZNF513 is on the minus strand). VCF-style: chr2-27378222-G-A. GRCh37 (hg19) VCF-style: chr2-27601089-G-A.
Other names: c.763C>T, p.Arg255Trp (NM_001201459.2); short protein forms R317W, R255W.
Identifiers: ClinVar variation 1918159 (VCV001918159.6), dbSNP rs912111926, ClinGen allele CA44528601.